The following is an entry in ClinVar:

ClinVar aggregate classification (germline): Uncertain significance (1 of 4 stars; one submission).

Allele frequency attached by ClinVar (database versions not stated): gnomAD exomes 0.00001.
gnomAD v4.1: 20 of 1,614,132 alleles (0.0012%); highest among the groups gnomAD compares: Non-Finnish European, 0.0017%; no homozygotes.

Submission:

Labcorp Genetics (formerly Invitae), Labcorp
Classification: Uncertain significance. Last evaluated: 2023-01-29. Review status: criteria provided, single submitter. Criteria: Invitae Variant Classification Sherloc (09022015). Collection method: clinical testing. Allele origin: germline.
Comment: In summary, the available evidence is currently insufficient to determine the role of this variant in disease. Therefore, it has been classified as a Variant of Uncertain Significance. Algorithms developed to predict the effect of missense changes on protein structure and function are either unavailable or do not agree on the potential impact of this missense change (SIFT: "Tolerated"; PolyPhen-2: "Probably Damaging"; Align-GVGD: "Class C0"). This variant has not been reported in the literature in individuals affected with COL4A1-related conditions. This variant is not present in population databases (gnomAD no frequency). This sequence change replaces lysine, which is basic and polar, with glutamic acid, which is acidic and polar, at codon 1165 of the COL4A1 protein (p.Lys1165Glu).

NM_001845.6(COL4A1):c.3493A>G (p.Lys1165Glu)

Gene: COL4A1 (collagen type IV alpha 1 chain; minus strand). Cytogenetic location: 13q34.
Variant type: single nucleotide variant.
Coding change: c.3493A>G on transcript NM_001845.6 (MANE Select); coding-DNA position 3493, A replaced by G.
Protein change: p.Lys1165Glu; replaces lysine 1165 with glutamic acid.
Molecular consequence: missense variant.
Genome position (GRCh38, 1-based): chr13:110,173,912, T>C on the plus strand (A>G on the coding strand, the complement: COL4A1 is on the minus strand). VCF-style: chr13-110173912-T-C. GRCh37 (hg19) VCF-style: chr13-110826259-T-C.
Other names: short protein forms K1165E.
Identifiers: ClinVar variation 3019567 (VCV003019567.3), dbSNP rs2501768565, ClinGen allele CA388664125.